The following is an entry in ClinVar:

NM_005585.5(SMAD6):c.719A>T (p.Glu240Val)

Gene: SMAD6 (SMAD family member 6; plus strand). Cytogenetic location: 15q22.31.
Variant type: single nucleotide variant.
Coding change: c.719A>T on transcript NM_005585.5 (MANE Select); coding-DNA position 719, A replaced by T.
Protein change: p.Glu240Val; replaces glutamic acid 240 with valine.
Molecular consequence: missense variant. On other transcripts: non-coding transcript variant (1).
Genome position (GRCh38, 1-based): chr15:66,703,977, A>T. VCF-style: chr15-66703977-A-T. GRCh37 (hg19) VCF-style: chr15-66996315-A-T.
Other names: short protein forms E240V.
Identifiers: ClinVar variation 5020166 (VCV005020166.1).

ClinVar aggregate classification (germline): Uncertain significance (1 of 4 stars; one submission).

Submission:

Dasa
Classification: Uncertain significance. Last evaluated: 2026-07-20. Review status: criteria provided, single submitter. Criteria: DASA Assertion Criteria. Collection method: clinical testing. Allele origin: germline.
Comment: NM_005585.5(SMAD6):c.719A>T (p.Glu240Val) is a missense variant that results in the substitution of glutamic acid with valine. This variant is rare in population databases. Computational prediction algorithms are consistent with a deleterious effect. The currently available literature and clinical evidence are not sufficient to establish a definitive association between this variant and the reported condition. Therefore, this variant is classified as a variant of uncertain significance.